The following is an entry in ClinVar:

NM_001130009.3(GEN1):c.506A>G (p.Asn169Ser)

Gene: GEN1 (GEN1 structure-specific endonuclease; plus strand). Cytogenetic location: 2p24.2.
Variant type: single nucleotide variant.
Coding change: c.506A>G on transcript NM_001130009.3 (MANE Select); coding-DNA position 506, A replaced by G.
Protein change: p.Asn169Ser; replaces asparagine 169 with serine.
Molecular consequence: missense variant.
Genome position (GRCh38, 1-based): chr2:17,765,054, A>G. VCF-style: chr2-17765054-A-G. GRCh37 (hg19) VCF-style: chr2-17946321-A-G.
Other names: c.506A>G, p.Asn169Ser (NM_182625.5); short protein forms N169S.
Identifiers: ClinVar variation 4858017 (VCV004858017.1).
Genomic context (GRCh38, chr2:17,765,054, plus strand): 5'-ATGGCTGCCTCACCAATGATGGAGATACTTTCCTTTATGGGGCCCAGACTGTTTACAGGA[A>G]TTTCACTATGAATACAAAGGTGTTTATTTTCTTTCTCTTTTTCAGCATTTGTTTACGAAC-3'
Protein context (NP_001123481.3, residues 159-179): FLYGAQTVYR[Asn169Ser]FTMNTKDPHV

ClinVar aggregate classification (germline): Uncertain significance (1 of 4 stars; one submission).

Submission:

Ambry Genetics
Classification: Uncertain significance. Last evaluated: 2026-06-13. Review status: criteria provided, single submitter. Criteria: Ambry Variant Classification Scheme 2023. Collection method: clinical testing. Allele origin: germline.
Comment: The p.N169S variant (also known as c.506A>G), located in coding exon 3 of the GEN1 gene, results from an A to G substitution at nucleotide position 506. The asparagine at codon 169 is replaced by serine, an amino acid with highly similar properties. This amino acid position is conserved. In addition, this alteration is predicted to be tolerated by in silico analysis. Based on the available evidence, the clinical significance of this variant remains unclear.